The following is an entry in ClinVar:

NM_177972.3(TUB):c.644G>A (p.Ser215Asn)

Genes: RIC3 (RIC3 acetylcholine receptor chaperone; minus strand), TUB (TUB bipartite transcription factor; plus strand). Cytogenetic location: 11p15.4.
Variant type: single nucleotide variant.
Coding change: c.644G>A on transcript NM_177972.3 (MANE Select); coding-DNA position 644, G replaced by A.
Protein change: p.Ser215Asn; replaces serine 215 with asparagine.
Molecular consequence: missense variant.
Genome position (GRCh38, 1-based): chr11:8,096,763, G>A. VCF-style: chr11-8096763-G-A. GRCh37 (hg19) VCF-style: chr11-8118310-G-A.
Other names: c.809G>A, p.Ser270Asn (NM_003320.5); short protein forms S215N, S270N.
Identifiers: ClinVar variation 2132297 (VCV002132297.4), dbSNP rs1944011782, ClinGen allele CA379568035.

ClinVar aggregate classification (germline): Uncertain significance (1 of 4 stars; one submission).

Allele frequency attached by ClinVar (database versions not stated): gnomAD 0.00001.
gnomAD v4.1: 1 of 1,614,044 alleles (0.000062%); highest among the groups gnomAD compares: Non-Finnish European, 0.000085%; no homozygotes.

Submission:

Labcorp Genetics (formerly Invitae), Labcorp
Classification: Uncertain significance. Last evaluated: 2022-10-04. Review status: criteria provided, single submitter. Criteria: Invitae Variant Classification Sherloc (09022015). Collection method: clinical testing. Allele origin: germline.
Comment: This sequence change replaces serine, which is neutral and polar, with asparagine, which is neutral and polar, at codon 270 of the TUB protein (p.Ser270Asn). This variant is not present in population databases (gnomAD no frequency). This variant has not been reported in the literature in individuals affected with TUB-related conditions. Algorithms developed to predict the effect of missense changes on protein structure and function are either unavailable or do not agree on the potential impact of this missense change (SIFT: "Deleterious"; PolyPhen-2: "Possibly Damaging"; Align-GVGD: "Class C0"). In summary, the available evidence is currently insufficient to determine the role of this variant in disease. Therefore, it has been classified as a Variant of Uncertain Significance.